The following is an entry in ClinVar:

NM_052947.4(ALPK2):c.3305A>T (p.Gln1102Leu)

Gene: ALPK2 (alpha kinase 2; minus strand). Cytogenetic location: 18q21.31.
Variant type: single nucleotide variant.
Coding change: c.3305A>T on transcript NM_052947.4 (MANE Select); coding-DNA position 3305, A replaced by T.
Protein change: p.Gln1102Leu; replaces glutamine 1102 with leucine.
Molecular consequence: missense variant.
Genome position (GRCh38, 1-based): chr18:58,536,882, T>A on the plus strand (A>T on the coding strand, the complement: ALPK2 is on the minus strand). VCF-style: chr18-58536882-T-A. GRCh37 (hg19) VCF-style: chr18-56204114-T-A.
Other names: short protein forms Q1102L.
Identifiers: ClinVar variation 1730019 (VCV001730019.2), dbSNP rs2518876620, ClinGen allele CA402568666.

ClinVar aggregate classification (germline): Uncertain significance (1 of 4 stars; one submission).

Submission:

Ambry Genetics
Classification: Uncertain significance. Last evaluated: 2022-02-17. Review status: criteria provided, single submitter. Criteria: Ambry Variant Classification Scheme 2023. Collection method: clinical testing. Allele origin: germline.
Comment: The p.Q1102L variant (also known as c.3305A>T), located in coding exon 4 of the ALPK2 gene, results from an A to T substitution at nucleotide position 3305. The glutamine at codon 1102 is replaced by leucine, an amino acid with dissimilar properties. This amino acid position is conserved. In addition, this alteration is predicted to be tolerated by in silico analysis. Since supporting evidence is limited at this time, the clinical significance of this alteration remains unclear.